The following is an entry in ClinVar:

NM_000282.4(PCCA):c.1180T>A (p.Trp394Arg)

Gene: PCCA (propionyl-CoA carboxylase subunit alpha; plus strand). Cytogenetic location: 13q32.3.
Variant type: single nucleotide variant.
Coding change: c.1180T>A on transcript NM_000282.4 (MANE Select); coding-DNA position 1180, T replaced by A.
Protein change: p.Trp394Arg; replaces tryptophan 394 with arginine.
Molecular consequence: missense variant. On other transcripts: non-coding transcript variant (5), intron variant (3).
Genome position (GRCh38, 1-based): chr13:100,301,574, T>A. VCF-style: chr13-100301574-T-A. GRCh37 (hg19) VCF-style: chr13-100953828-T-A.
Other names: c.1102T>A, p.Trp368Arg (NM_001127692.3, NM_001352607.2); c.1180T>A, p.Trp394Arg (NM_001178004.2, NM_001352605.2, NM_001352609.2); c.235T>A, p.Trp79Arg (NM_001352610.2, NM_001352611.2); c.1066-1350T>A (NM_001352606.2); c.121-1350T>A (NM_001352612.2); c.988-1350T>A (NM_001352608.2); short protein forms W368R, W394R, W79R.
Identifiers: ClinVar variation 4890829 (VCV004890829.1).

ClinVar aggregate classification (germline): Uncertain significance (1 of 4 stars; one submission).

Conditions:
Propionic acidemia (PROP). Also called: GLYCINEMIA, KETOTIC; HYPERGLYCINEMIA WITH KETOACIDOSIS AND LEUKOPENIA; KETOTIC HYPERGLYCINEMIA. Identifiers: Orphanet 35, MedGen C0268579, MONDO:0011628, OMIM 606054, HP:0003571.

Submission:

Helix
Classification: Uncertain significance for Propionic acidemia. Last evaluated: 2026-04-17. Review status: criteria provided, single submitter. Criteria: ACMG Guidelines, 2015. Collection method: clinical testing. Allele origin: germline. Inheritance: Autosomal recessive inheritance.
Comment: This variant (NM_000282.4:c.1180T>A p.Trp394Arg) results in the substitution of tryptophan with arginine at codon 394 in the PCCA protein. It is a rare variant that is absent from the large gnomAD population database (v4.1). To our knowledge, this variant has not been reported in individuals with PCCA-related conditions in the published literature. In silico prediction from REVEL (PMID: 27666373) suggests that this variant may be deleterious. In conclusion, since the available evidence is limited, the clinical significance of this variant is unclear at this time. Therefore, it is classified as a Variant of Uncertain Significance.